The following is an entry in ClinVar:

ClinVar aggregate classification (germline): Conflicting classifications of pathogenicity. Review status: criteria provided, conflicting classifications (1 of 4 stars). 2 submissions from 2 submitters: Uncertain significance (1); Likely benign (1). Last evaluated 2025-10-02.

Conditions:
Spinocerebellar ataxia type 5 (SCA5). Identifiers: Orphanet 98766, MedGen C0752123, MONDO:0010848, OMIM 600224.

Allele frequency attached by ClinVar (database versions not stated): gnomAD 0.00001; gnomAD exomes 0.00001; TOPMed 0.00001; ExAC 0.00002.
gnomAD v4.1: 9 of 1,613,576 alleles (0.00056%); highest among the groups gnomAD compares: Admixed American, 0.0067%; no homozygotes.

Submissions (2):

Labcorp Genetics (formerly Invitae), Labcorp
Classification: Likely benign. Last evaluated: 2025-10-02. Review status: criteria provided, single submitter. Criteria: Invitae Variant Classification Sherloc (09022015). Collection method: clinical testing. Allele origin: germline.

Foundation for Research in Genetics and Endocrinology, FRIGE's Institute of Human Genetics
Classification: Uncertain significance for Spinocerebellar ataxia type 5. Last evaluated: 2022-12-07. Review status: criteria provided, single submitter. Criteria: ACMG Guidelines, 2015. Collection method: clinical testing. Allele origin: germline. Inheritance: Autosomal dominant inheritance. Affected: yes. Observed: 1 heterozygote.
Comment: A heterozygous missense variation in exon 38 of the SPTBN2 gene that results in the amino acid substitution of Glutamine for Arginine at codon 2347 was detected. This variant has not been reported in the 1000 genomes, and gnomAD databases.The in silico predictions of the variant are damaging by LRT. The reference codon is conserved across species. In summary, the variant meets our criteria to be classified as variant of uncertain significance.

NM_006946.4(SPTBN2):c.7040G>A (p.Arg2347Gln)

Gene: SPTBN2 (spectrin beta, non-erythrocytic 2; minus strand). Cytogenetic location: 11q13.2.
Variant type: single nucleotide variant.
Coding change: c.7040G>A on transcript NM_006946.4 (MANE Select); coding-DNA position 7040, G replaced by A.
Protein change: p.Arg2347Gln; replaces arginine 2347 with glutamine.
Molecular consequence: missense variant.
Genome position (GRCh38, 1-based): chr11:66,686,004, C>T on the plus strand (G>A on the coding strand, the complement: SPTBN2 is on the minus strand). VCF-style: chr11-66686004-C-T. GRCh37 (hg19) VCF-style: chr11-66453475-C-T.
Other names: p.Arg2347Gln; c.7061G>A, p.Arg2354Gln (NM_001411025.1); short protein forms R2347Q, R2354Q.
Identifiers: ClinVar variation 1803013 (VCV001803013.7), dbSNP rs776892864, ClinGen allele CA6127653.
Genomic context (GRCh38, chr11:66,686,004, plus strand): 5'-ACAGGCCCCTCAGCCCCGACGGGTGACACTGGGGGCATGGTCATGGCCCGGGTCATGCCC[C>T]GGGTGGTGCTGGGCACCACCGGCTCTTCAGGCTCTCCAGAGGCAGAAGACGCTGTGGCAA-3'
Protein context (NP_008877.2, residues 2337-2357): PEEPVVPSTT[Arg2347Gln]GMTRAMTMPP